The following is an entry in ClinVar:

ClinVar aggregate classification (germline): Likely pathogenic. Review status: criteria provided, single submitter (1 of 4 stars). 3 submissions from 3 submitters: Likely pathogenic (1). 2 of the submissions do not count toward it. Last evaluated 2023-08-11.

Conditions:
Charcot-Marie-Tooth disease. Also called: Charcot-Marie-Tooth Hereditary Neuropathy; Charcot-Marie-Tooth Neuropathy. Identifiers: Orphanet 166, MedGen C0007959, MONDO:0015626.
Charcot-Marie-Tooth disease axonal type 2K (CMT2K). Also called: Charcot-Marie-Tooth disease type 2K; CHARCOT-MARIE-TOOTH DISEASE, AXONAL, AUTOSOMAL RECESSIVE, TYPE 2K; CHARCOT-MARIE-TOOTH NEUROPATHY, AXONAL, TYPE 2K. Identifiers: Orphanet 101097, Orphanet 99944, MedGen C1842983, MONDO:0011916, OMIM 607831.
Charcot-Marie-Tooth disease type 4A. Also called: Charcot-Marie-Tooth disease, demyelinating, autosomal recessive, type 4a. Identifiers: Orphanet 99948, MedGen C1859198, MONDO:0008961, OMIM 214400.

Allele frequency attached by ClinVar (database versions not stated): gnomAD exomes below 0.00001.
gnomAD v4.1: 1 of 1,610,748 alleles (0.000062%); highest among the groups gnomAD compares: Non-Finnish European, 0.000085%; no homozygotes.

Submissions (3):

Women's Health and Genetics/Laboratory Corporation of America, LabCorp
Classification: Likely pathogenic for Charcot-Marie-Tooth disease type 4A. Last evaluated: 2023-08-11. Review status: criteria provided, single submitter. Criteria: LabCorp Variant Classification Summary - May 2015. Collection method: clinical testing. Allele origin: germline.
Comment: Variant summary: GDAP1 c.533A>G (p.Asn178Ser) results in a conservative amino acid change located in the Glutathione S-transferase, C-terminal-like domain (IPR010987) of the encoded protein sequence. Three of five in-silico tools predict a benign effect of the variant on protein function. The variant was absent in 250708 control chromosomes. c.533A>G has been reported in the literature in the compound heterozygous state in individuals affected with Charcot-Marie Disease Type 4A (e.g. Zhang_2004, Pakhrin_2018, Wu_2021). These data indicate that the variant may be associated with disease. At least one publication reports experimental evidence evaluating an impact on protein function, with cells expressing the variant displaying defects in store-operated calcium entry (SOCE) and subsequent refilling of the ER with calcium ions compared to wild-type (Gonzalez-Sanchez_2017). The most pronounced variant effect results in <10% of normal activity. The following publications have been ascertained in the context of this evaluation (PMID: 28220846, 29372391, 34366782, 15192818). No submitters have cited clinical-significance assessments for this variant to ClinVar after 2014. Based on the evidence outlined above, the variant was classified as likely pathogenic.

Inherited Neuropathy Consortium Ii, University Of Miami
Classification: Uncertain significance for Charcot-Marie-Tooth disease axonal type 2K. Last evaluated: 2016-01-06. Review status: no assertion criteria provided. Collection method: literature only. Allele origin: germline. Affected: yes. Not counted in ClinVar's aggregate classification.

Inherited Neuropathy Consortium
Classification: Uncertain significance for Charcot-Marie-Tooth disease. Review status: no assertion criteria provided. Collection method: literature only. Allele origin: germline. Affected: yes. Not counted in ClinVar's aggregate classification.

Literature cited by the submitters: PubMed 28220846 (cited by Women's Health and Genetics/Laboratory Corporation of America, LabCorp); PubMed 29372391 (cited by Women's Health and Genetics/Laboratory Corporation of America, LabCorp); PubMed 34366782 (cited by Women's Health and Genetics/Laboratory Corporation of America, LabCorp); PubMed 15192818 (cited by 3 submitters).

NM_018972.4(GDAP1):c.533A>G (p.Asn178Ser)

Gene: GDAP1 (ganglioside induced differentiation associated protein 1; plus strand). Cytogenetic location: 8q21.11.
Variant type: single nucleotide variant.
Coding change: c.533A>G on transcript NM_018972.4 (MANE Select); coding-DNA position 533, A replaced by G.
Protein change: p.Asn178Ser; replaces asparagine 178 with serine.
Molecular consequence: missense variant.
Genome position (GRCh38, 1-based): chr8:74,361,932, A>G. VCF-style: chr8-74361932-A-G. GRCh37 (hg19) VCF-style: chr8-75274167-A-G.
Other names: c.329A>G, p.Asn110Ser (NM_001040875.4); c.206A>G, p.Asn69Ser (NM_001362929.2, NM_001362932.2); c.359A>G, p.Asn120Ser (NM_001362930.2); c.533A>G, p.Asn178Ser (NM_001362931.2); short protein forms N178S, N120S, N69S, N110S.
Identifiers: ClinVar variation 637478 (VCV000637478.3), dbSNP rs1586804849, ClinGen allele CA371549123.